The following is an entry in ClinVar:

ClinVar aggregate classification (germline): Uncertain significance (1 of 4 stars; one submission).

Submission:

Dasa
Classification: Uncertain significance. Last evaluated: 2024-09-23. Review status: criteria provided, single submitter. Criteria: DASA Assertion Criteria. Collection method: clinical testing. Allele origin: germline.
Comment: NM_003128.3(SPTBN1):c.663T>G (p.Asp221Glu) is a missense variant that results in the substitution of aspartic acid with glutamic acid. This variant is absent from population databases. Computational prediction algorithms are consistent with a benign effect. The currently available literature and clinical evidence are not sufficient to establish a definitive association between this variant and the reported condition. Therefore, this variant is classified as a variant of uncertain significance.

NM_003128.3(SPTBN1):c.663T>G (p.Asp221Glu)

Gene: SPTBN1 (spectrin beta, non-erythrocytic 1; plus strand). Cytogenetic location: 2p16.2.
Variant type: single nucleotide variant.
Coding change: c.663T>G on transcript NM_003128.3 (MANE Select); coding-DNA position 663, T replaced by G.
Protein change: p.Asp221Glu; replaces aspartic acid 221 with glutamic acid.
Molecular consequence: missense variant.
Genome position (GRCh38, 1-based): chr2:54,618,093, T>G. VCF-style: chr2-54618093-T-G. GRCh37 (hg19) VCF-style: chr2-54845230-T-G.
Other names: c.624T>G, p.Asp208Glu (NM_178313.3); short protein forms D208E, D221E.
Identifiers: ClinVar variation 4882033 (VCV004882033.2).